The following is an entry in ClinVar:

NM_006929.5(SKIC2):c.384T>C (p.Ala128=)

Gene: SKIC2 (SKI2 subunit of superkiller complex; plus strand). Cytogenetic location: 6p21.33.
Variant type: single nucleotide variant.
Coding change: c.384T>C on transcript NM_006929.5 (MANE Select); coding-DNA position 384, T replaced by C.
Protein change: p.Ala128=; no amino-acid change (alanine 128 retained).
Molecular consequence: synonymous variant.
Genome position (GRCh38, 1-based): chr6:31,960,461, T>C. VCF-style: chr6-31960461-T-C. GRCh37 (hg19) VCF-style: chr6-31928238-T-C.
Other names: p.Ala128=.
Identifiers: ClinVar variation 356314 (VCV000356314.14), dbSNP rs3895064, ClinGen allele CA3729137.

ClinVar aggregate classification (germline): Benign. Review status: criteria provided, multiple submitters, no conflicts (2 of 4 stars). 3 submissions from 3 submitters: Benign (3). Last evaluated 2026-02-01.

Conditions:
Trichohepatoenteric syndrome 2 (THES2). Identifiers: Orphanet 84064, MedGen C3281289, MONDO:0013818, OMIM 614602.

Allele frequency attached by ClinVar (database versions not stated): 1000 Genomes Project 30x 0.00422; ESP Exome Variant Server 0.00008; gnomAD 0.00093 and 0.00113; TOPMed 0.00177; 1000 Genomes Project 0.00399.
gnomAD v4.1: 1,449 of 1,614,140 alleles (0.09%); highest among the groups gnomAD compares: Admixed American, 1.7%; 16 homozygotes.

Submissions (3):

Labcorp Genetics (formerly Invitae), Labcorp
Classification: Benign. Last evaluated: 2026-02-01. Review status: criteria provided, single submitter. Criteria: Invitae Variant Classification Sherloc (09022015). Collection method: clinical testing. Allele origin: germline.

Mayo Clinic Laboratories, Mayo Clinic
Classification: Benign. Last evaluated: 2024-12-23. Review status: criteria provided, single submitter. Criteria: ACMG Guidelines, 2015. Collection method: clinical testing. Allele origin: germline. Observed: 5 variant alleles.
Comment: BS1, BS2, BP4, BP7

Illumina Laboratory Services, Illumina
Classification: Benign for Trichohepatoenteric syndrome 2. Last evaluated: 2018-01-12. Review status: criteria provided, single submitter. Criteria: ICSL Variant Classification Criteria 13 December 2019. Collection method: clinical testing. Allele origin: germline.
Comment: This variant was observed in the ICSL laboratory as part of a predisposition screen in an ostensibly healthy population. It had not been previously curated by ICSL or reported in the Human Gene Mutation Database (HGMD: prior to June 1st, 2018), and was therefore a candidate for classification through an automated scoring system. Utilizing variant allele frequency, disease prevalence and penetrance estimates, and inheritance mode, an automated score was calculated to assess if this variant is too frequent to cause the disease. Based on the score and internal cut-off values, a variant classified as benign is not then subjected to further curation. The score for this variant resulted in a classification of benign for this disease.